The following is an entry in ClinVar:

NM_004006.3(DMD):c.4227A>T (p.Glu1409Asp)

Gene: DMD (dystrophin; minus strand). Cytogenetic location: Xp21.1.
Variant type: single nucleotide variant.
Coding change: c.4227A>T on transcript NM_004006.3 (MANE Select); coding-DNA position 4227, A replaced by T.
Protein change: p.Glu1409Asp; replaces glutamic acid 1409 with aspartic acid.
Molecular consequence: missense variant.
Genome position (GRCh38, 1-based): chrX:32,411,758, T>A on the plus strand (A>T on the coding strand, the complement: DMD is on the minus strand). VCF-style: chrX-32411758-T-A. GRCh37 (hg19) VCF-style: chrX-32429875-T-A.
Other names: c.4203A>T, p.Glu1401Asp (NM_000109.4); c.4215A>T, p.Glu1405Asp (NM_004009.3); c.3858A>T, p.Glu1286Asp (NM_004010.3); c.204A>T, p.Glu68Asp (NM_004011.4); c.195A>T, p.Glu65Asp (NM_004012.4); short protein forms E1409D, E68D, E65D, E1286D, E1401D, E1405D.
Identifiers: ClinVar variation 2184265 (VCV002184265.2), dbSNP rs2523597823, ClinGen allele CA412665977.

ClinVar aggregate classification (germline): Conflicting classifications of pathogenicity. Review status: criteria provided, conflicting classifications (1 of 4 stars). 2 submissions from 2 submitters: Uncertain significance (1); Likely benign (1). Last evaluated 2024-11-16.

Conditions:
Cardiovascular phenotype. Identifiers: MedGen CN230736.
Duchenne muscular dystrophy (DMD). Also called: MUSCULAR DYSTROPHY, PSEUDOHYPERTROPHIC PROGRESSIVE, DUCHENNE TYPE; Duchenne Muscular Dystrophy (DMD). Identifiers: Orphanet 98896, MedGen C0013264, MONDO:0010679, OMIM 310200.

Submissions (2):

Ambry Genetics
Classification: Likely benign for Cardiovascular phenotype. Last evaluated: 2024-11-16. Review status: criteria provided, single submitter. Criteria: Ambry Variant Classification Scheme 2023. Collection method: clinical testing. Allele origin: germline.

Labcorp Genetics (formerly Invitae), Labcorp
Classification: Uncertain significance for Duchenne muscular dystrophy. Last evaluated: 2022-09-15. Review status: criteria provided, single submitter. Criteria: Invitae Variant Classification Sherloc (09022015). Collection method: clinical testing. Allele origin: germline.
Comment: This sequence change replaces glutamic acid, which is acidic and polar, with aspartic acid, which is acidic and polar, at codon 1409 of the DMD protein (p.Glu1409Asp). This variant is not present in population databases (gnomAD no frequency). This variant has not been reported in the literature in individuals affected with DMD-related conditions. Advanced modeling of protein sequence and biophysical properties (such as structural, functional, and spatial information, amino acid conservation, physicochemical variation, residue mobility, and thermodynamic stability) performed at Invitae indicates that this missense variant is not expected to disrupt DMD protein function. In summary, the available evidence is currently insufficient to determine the role of this variant in disease. Therefore, it has been classified as a Variant of Uncertain Significance.